The following is an entry in ClinVar:

ClinVar aggregate classification (germline): Likely benign (1 of 4 stars; one submission).

Submission:

CeGaT Center for Human Genetics Tuebingen
Classification: Likely benign. Last evaluated: 2024-10-01. Review status: criteria provided, single submitter. Criteria: CeGaT Center For Human Genetics Tuebingen Variant Classification Criteria Version 2. Collection method: clinical testing. Allele origin: germline. Affected: yes. Observed: 1 variant allele.
Comment: ESX1: BP4, BP7

NM_153448.4(ESX1):c.1029G>A (p.Pro343=)

Gene: ESX1 (ESX homeobox 1; minus strand). Cytogenetic location: Xq22.2.
Variant type: single nucleotide variant.
Coding change: c.1029G>A on transcript NM_153448.4 (MANE Select); coding-DNA position 1029, G replaced by A.
Protein change: p.Pro343=; no amino-acid change (proline 343 retained).
Molecular consequence: synonymous variant.
Genome position (GRCh38, 1-based): chrX:104,250,420, C>T on the plus strand (G>A on the coding strand, the complement: ESX1 is on the minus strand). VCF-style: chrX-104250420-C-T. GRCh37 (hg19) VCF-style: chrX-103495101-C-T.
Identifiers: ClinVar variation 3390328 (VCV003390328.14).